The following is an entry in ClinVar:

ClinVar aggregate classification (germline): Uncertain significance (1 of 4 stars; one submission).

Conditions:
Cardiovascular phenotype. Identifiers: MedGen CN230736.

gnomAD v4.1: 7 of 1,606,488 alleles (0.00044%); highest among the groups gnomAD compares: Non-Finnish European, 0.00051%; no homozygotes.

Submission:

Ambry Genetics
Classification: Uncertain significance for Cardiovascular phenotype. Last evaluated: 2025-06-15. Review status: criteria provided, single submitter. Criteria: Ambry Variant Classification Scheme 2023. Collection method: clinical testing. Allele origin: germline.
Comment: The p.V505M variant (also known as c.1513G>A), located in coding exon 8 of the EPHB4 gene, results from a G to A substitution at nucleotide position 1513. The valine at codon 505 is replaced by methionine, an amino acid with highly similar properties. This amino acid position is conserved. In addition, this alteration is predicted to be deleterious by in silico analysis. Based on the available evidence, the clinical significance of this variant remains unclear.

NM_004444.5(EPHB4):c.1513G>A (p.Val505Met)

Gene: EPHB4 (EPH receptor B4; minus strand). Cytogenetic location: 7q22.1.
Variant type: single nucleotide variant.
Coding change: c.1513G>A on transcript NM_004444.5 (MANE Select); coding-DNA position 1513, G replaced by A.
Protein change: p.Val505Met; replaces valine 505 with methionine.
Molecular consequence: missense variant.
Genome position (GRCh38, 1-based): chr7:100,817,267, C>T on the plus strand (G>A on the coding strand, the complement: EPHB4 is on the minus strand). VCF-style: chr7-100817267-C-T. GRCh37 (hg19) VCF-style: chr7-100414889-C-T.
Other names: short protein forms V505M.
Identifiers: ClinVar variation 4249951 (VCV004249951.1).